The following is an entry in ClinVar:

NM_022124.6(CDH23):c.9328G>A (p.Gly3110Ser)

Gene: CDH23 (cadherin related 23; plus strand). Cytogenetic location: 10q22.1.
Variant type: single nucleotide variant.
Coding change: c.9328G>A on transcript NM_022124.6 (MANE Select); coding-DNA position 9328, G replaced by A.
Protein change: p.Gly3110Ser; replaces glycine 3110 with serine.
Molecular consequence: missense variant. On other transcripts: 5 prime UTR variant (2).
Genome position (GRCh38, 1-based): chr10:71,811,963, G>A. VCF-style: chr10-71811963-G-A. GRCh37 (hg19) VCF-style: chr10-73571720-G-A.
Other names: c.2608G>A, p.Gly870Ser (NM_001171933.1, NM_001171934.1); c.-329G>A (NM_001171935.1, NM_001171936.1); short protein forms G3110S, G870S.
Identifiers: ClinVar variation 1405533 (VCV001405533.6), dbSNP rs2133004004, ClinGen allele CA377135824.

ClinVar aggregate classification (germline): Uncertain significance (1 of 4 stars; one submission).

Submission:

Labcorp Genetics (formerly Invitae), Labcorp
Classification: Uncertain significance. Last evaluated: 2023-12-11. Review status: criteria provided, single submitter. Criteria: Invitae Variant Classification Sherloc (09022015). Collection method: clinical testing. Allele origin: germline.
Comment: This sequence change replaces glycine, which is neutral and non-polar, with serine, which is neutral and polar, at codon 3110 of the CDH23 protein (p.Gly3110Ser). This variant is not present in population databases (gnomAD no frequency). This variant has not been reported in the literature in individuals affected with CDH23-related conditions. ClinVar contains an entry for this variant (Variation ID: 1405533). Advanced modeling of protein sequence and biophysical properties (such as structural, functional, and spatial information, amino acid conservation, physicochemical variation, residue mobility, and thermodynamic stability) performed at Invitae indicates that this missense variant is not expected to disrupt CDH23 protein function with a negative predictive value of 95%. In summary, the available evidence is currently insufficient to determine the role of this variant in disease. Therefore, it has been classified as a Variant of Uncertain Significance.